The following is an entry in ClinVar:

NM_006445.4(PRPF8):c.2672T>C (p.Phe891Ser)

Gene: PRPF8 (pre-mRNA processing factor 8; minus strand). Cytogenetic location: 17p13.3.
Variant type: single nucleotide variant.
Coding change: c.2672T>C on transcript NM_006445.4 (MANE Select); coding-DNA position 2672, T replaced by C.
Protein change: p.Phe891Ser; replaces phenylalanine 891 with serine.
Molecular consequence: missense variant.
Genome position (GRCh38, 1-based): chr17:1,675,935, A>G on the plus strand (T>C on the coding strand, the complement: PRPF8 is on the minus strand). VCF-style: chr17-1675935-A-G. GRCh37 (hg19) VCF-style: chr17-1579229-A-G.
Other names: short protein forms F891S.
Identifiers: ClinVar variation 5008072 (VCV005008072.1).

ClinVar aggregate classification (germline): Uncertain significance (1 of 4 stars; one submission).

Submission:

GeneDx
Classification: Uncertain significance. Last evaluated: 2026-03-05. Review status: criteria provided, single submitter. Criteria: GeneDx Variant Classification Process June 2021. Collection method: clinical testing. Allele origin: germline.
Comment: Not observed at significant frequency in large population cohorts (gnomAD); In silico analysis supports that this missense variant has a deleterious effect on protein structure/function; Has not been previously published as pathogenic or benign to our knowledge